The following is an entry in ClinVar:

NC_000010.10:g.(?_43600390)_(43623725_?)dup

Gene: RET (ret proto-oncogene; plus strand). Cytogenetic location: 10q11.21.
Variant type: Duplication.
Identifiers: ClinVar variation 1401577 (VCV001401577.4).

ClinVar aggregate classification (germline): Uncertain significance (1 of 4 stars; one submission).

Conditions:
Multiple endocrine neoplasia, type 2 (MEN2). Identifiers: Orphanet 653, MedGen C4048306, MONDO:0019003. Disease mechanism: gain of function.

Submission:

Labcorp Genetics (formerly Invitae), Labcorp
Classification: Uncertain significance for Multiple endocrine neoplasia, type 2. Last evaluated: 2023-06-30. Review status: criteria provided, single submitter. Criteria: Invitae Variant Classification Sherloc (09022015). Collection method: clinical testing. Allele origin: germline.
Comment: In summary, the available evidence is currently insufficient to determine the role of this variant in disease. Therefore, it has been classified as a Variant of Uncertain Significance. This variant has not been reported in the literature in individuals affected with RET-related conditions. This variant results in a copy number gain of the genomic region encompassing exon(s) 4-20 of the RET gene. This region includes the termination codon of the gene. This copy number gain extends beyond the assayed region for this gene and therefore may encompass additional genes. As the precise location of this event is unknown, it may be in tandem or it may be located elsewhere in the genome.